The following is an entry in ClinVar:

NM_001018115.3(FANCD2):c.944G>A (p.Arg315Gln)

Genes: FANCD2 (FA complementation group D2; plus strand), LOC107303338 (3p25 FANCD2 Alu-mediated recombination region; plus strand). Cytogenetic location: 3p25.3.
Variant type: single nucleotide variant.
Coding change: c.944G>A on transcript NM_001018115.3 (MANE Select); coding-DNA position 944, G replaced by A.
Protein change: p.Arg315Gln; replaces arginine 315 with glutamine.
Molecular consequence: missense variant.
Genome position (GRCh38, 1-based): chr3:10,043,105, G>A. VCF-style: chr3-10043105-G-A. GRCh37 (hg19) VCF-style: chr3-10084789-G-A.
Other names: c.944G>A, p.Arg315Gln (NM_001319984.2, NM_001374253.1, NM_001374254.1 and 1 more transcripts); short protein forms R315Q.
Identifiers: ClinVar variation 2042596 (VCV002042596.4), dbSNP rs1182912191, ClinGen allele CA351729914.

ClinVar aggregate classification (germline): Uncertain significance. Review status: criteria provided, multiple submitters, no conflicts (2 of 4 stars). 2 submissions from 2 submitters: Uncertain significance (2). Last evaluated 2025-12-08.

Conditions:
Inborn genetic diseases. Identifiers: MedGen C0950123, MeSH D030342.
Fanconi anemia (FA). Also called: Fanconi's anemia. Identifiers: Orphanet 84, MedGen C0015625, MeSH D005199, MONDO:0019391.

Allele frequency attached by ClinVar (database versions not stated): gnomAD 0.00001.
gnomAD v4.1: 18 of 1,613,908 alleles (0.0011%); highest among the groups gnomAD compares: East Asian, 0.0022%; no homozygotes.

Submissions (2):

Ambry Genetics
Classification: Uncertain significance for Inborn genetic diseases. Last evaluated: 2025-12-08. Review status: criteria provided, single submitter. Criteria: Ambry Variant Classification Scheme 2023. Collection method: clinical testing. Allele origin: germline.

Labcorp Genetics (formerly Invitae), Labcorp
Classification: Uncertain significance for Fanconi anemia. Last evaluated: 2024-08-11. Review status: criteria provided, single submitter. Criteria: Invitae Variant Classification Sherloc (09022015). Collection method: clinical testing. Allele origin: germline.
Comment: This sequence change replaces arginine, which is basic and polar, with glutamine, which is neutral and polar, at codon 315 of the FANCD2 protein (p.Arg315Gln). This variant is present in population databases (no rsID available, gnomAD 0.007%). This variant has not been reported in the literature in individuals affected with FANCD2-related conditions. ClinVar contains an entry for this variant (Variation ID: 2042596). An algorithm developed to predict the effect of missense changes on protein structure and function outputs the following: PolyPhen-2: "Benign". The glutamine amino acid residue is found in multiple mammalian species, which suggests that this missense change does not adversely affect protein function. In summary, the available evidence is currently insufficient to determine the role of this variant in disease. Therefore, it has been classified as a Variant of Uncertain Significance.